The following is an entry in ClinVar:

NM_003482.4(KMT2D):c.15708_15717delinsTA (p.Gly5237fs)

Gene: KMT2D (lysine methyltransferase 2D; minus strand). Cytogenetic location: 12q13.12.
Variant type: Indel.
Coding change: c.15708_15717delinsTA on transcript NM_003482.4 (MANE Select); coding-DNA positions 15708 to 15717, CGGGCGGCCG replaced by TA.
Protein change: p.Gly5237fs; shifts the reading frame from glycine 5237.
Molecular consequence: frameshift variant.
Genome position (GRCh38, 1-based): chr12:49,026,249-49,026,258, CGGCCGCCCG replaced by TA on the plus strand (CGGGCGGCCG replaced by TA on the coding strand, the reverse complement: KMT2D is on the minus strand). VCF-style: chr12-49026249-CGGCCGCCCG-TA. GRCh37 (hg19) VCF-style: chr12-49420032-CGGCCGCCCG-TA.
Other names: c.15708_15717delCGGGCGGCCGinsTA (NM_003482.3); short protein forms G5237fs.
Identifiers: ClinVar variation 280456 (VCV000280456.1), dbSNP rs886041660, ClinGen allele CA10603199.
Genomic context (GRCh38, chr12:49,026,249, plus strand): 5'-AGAGGCGTCAGTGAAGACCAGGTCCTCCAGGCCCTGCTCGATGACTTTGATTACAAACTC[CGGCCGCCCG>TA]TTGTTCTCACCAATAGAACAGCGATAGCAGCAGCGACGATTGTTGGTGCGGAGGCTCCAA-3'

ClinVar aggregate classification (germline): Pathogenic (1 of 4 stars; one submission).

Submission:

GeneDx
Classification: Pathogenic. Last evaluated: 2016-03-28. Review status: criteria provided, single submitter. Criteria: GeneDx Variant Classification (06012015). Collection method: clinical testing. Allele origin: germline. Affected: yes.
Comment: The c.15708_15717del10insTA pathogenic variant in the KMT2D gene has not been reported previously as a pathogenic variant nor as a benign variant, to our knowledge. The c.15708_15717del10insTA variant causes a frameshift starting with codon Glycine 5237, changes this amino acid to an Arginine residue, and creates a premature Stop codon at position 18 of the new reading frame, denoted p.Gly5237ArgfsX18. This variant is predicted to cause loss of normal protein function either through protein truncation or nonsense-mediated mRNA decay. The c.15708_15717del10insTA variant was not observed in approximately 6,000 individuals of European and African American ancestry in the NHLBI Exome Sequencing Project, indicating it is not a common benign variant in these populations. We interpret c.15708_15717del10insTA as a pathogenic variant.